The following is an entry in ClinVar:

ClinVar aggregate classification (germline): Uncertain significance. Review status: criteria provided, multiple submitters, no conflicts (2 of 4 stars). 3 submissions from 3 submitters: Uncertain significance (3). Last evaluated 2025-09-26.

Conditions:
Multiple congenital exostosis (EXT). Also called: Hereditary multiple exostoses; Hereditary multiple exostosis; Multiple exostoses; Multiple osteochondromas; MULTIPLE CARTILAGINOUS EXOSTOSES; Hereditary multiple osteochondromas. Identifiers: Orphanet 321, MedGen C0015306, MONDO:0005508, HP:0002762.
Exostoses, multiple, type 1 (EXT1). Also called: EXOSTOSES, MULTIPLE, TYPE I; Hereditary Multiple Osteochondromatosis, Type I. Identifiers: MedGen CN263289, MONDO:0007585, OMIM 133700.
Inborn genetic diseases. Identifiers: MedGen C0950123, MeSH D030342.

Allele frequency attached by ClinVar (database versions not stated): gnomAD exomes 0.00001; TOPMed 0.00006; gnomAD 0.00007.
gnomAD v4.1: 25 of 1,612,046 alleles (0.0016%); highest among the groups gnomAD compares: African/African-American, 0.028%; no homozygotes.

Submissions (3):

Ambry Genetics
Classification: Uncertain significance for Inborn genetic diseases. Last evaluated: 2025-09-26. Review status: criteria provided, single submitter. Criteria: Ambry Variant Classification Scheme 2023. Collection method: clinical testing. Allele origin: germline.

Labcorp Genetics (formerly Invitae), Labcorp
Classification: Uncertain significance for Multiple congenital exostosis. Last evaluated: 2025-07-21. Review status: criteria provided, single submitter. Criteria: Invitae Variant Classification Sherloc (09022015). Collection method: clinical testing. Allele origin: germline.
Comment: This sequence change replaces phenylalanine, which is neutral and non-polar, with isoleucine, which is neutral and non-polar, at codon 250 of the EXT1 protein (p.Phe250Ile). This variant is present in population databases (no rsID available, gnomAD 0.02%). This variant has not been reported in the literature in individuals affected with EXT1-related conditions. ClinVar contains an entry for this variant (Variation ID: 1435161). Invitae Evidence Modeling of protein sequence and biophysical properties (such as structural, functional, and spatial information, amino acid conservation, physicochemical variation, residue mobility, and thermodynamic stability) indicates that this missense variant is not expected to disrupt EXT1 protein function with a negative predictive value of 80%. In summary, the available evidence is currently insufficient to determine the role of this variant in disease. Therefore, it has been classified as a Variant of Uncertain Significance.

St. Jude Molecular Pathology, St. Jude Children's Research Hospital
Classification: Uncertain significance for Exostoses, multiple, type 1. Last evaluated: 2022-07-05. Review status: criteria provided, single submitter. Criteria: St. Jude Assertion Criteria 2020. Collection method: clinical testing. Allele origin: germline.
Comment: The EXT1 c.748T>A (p.Phe250Ile) missense change has a maximum subpopulation frequency of 0.023% in gnomAD v2.1.1. The in silico tool REVEL is inconclusive about a pathogenic or benign effect of this variant on protein function, and to our knowledge functional studies have not been performed. To our knowledge, this variant has not been reported in individuals with hereditary multiple exostoses. In summary, the evidence currently available is insufficient to determine the clinical significance of this variant. It has therefore been classified as of uncertain significance.

NM_000127.3(EXT1):c.748T>A (p.Phe250Ile)

Gene: EXT1 (exostosin glycosyltransferase 1; minus strand). Cytogenetic location: 8q24.11.
Variant type: single nucleotide variant.
Coding change: c.748T>A on transcript NM_000127.3 (MANE Select); coding-DNA position 748, T replaced by A.
Protein change: p.Phe250Ile; replaces phenylalanine 250 with isoleucine.
Molecular consequence: missense variant.
Genome position (GRCh38, 1-based): chr8:118,110,299, A>T on the plus strand (T>A on the coding strand, the complement: EXT1 is on the minus strand). VCF-style: chr8-118110299-A-T. GRCh37 (hg19) VCF-style: chr8-119122538-A-T.
Other names: short protein forms F250I.
Identifiers: ClinVar variation 1435161 (VCV001435161.10), dbSNP rs920291906, ClinGen allele CA184682426.